The following is an entry in ClinVar:

ClinVar aggregate classification (germline): Pathogenic/Likely pathogenic. Review status: criteria provided, multiple submitters, no conflicts (2 of 4 stars). 8 submissions from 8 submitters: Pathogenic (5); Likely pathogenic (2). 1 of the submissions does not count toward it. Last evaluated 2025-11-17.

Conditions:
D,L-2-hydroxyglutaric aciduria (D2L2AD). Also called: Combined D-2- and L-2-hydroxyglutaric aciduria. Identifiers: Orphanet 356978, MedGen C5574940, MONDO:0014072, OMIM 615182.
2-hydroxyglutaric aciduria (D2L2AD). Identifiers: Orphanet 19, Orphanet 356978, MedGen C2746066, MONDO:0016001. Disease mechanism: loss of function.

Submissions (8):

Labcorp Genetics (formerly Invitae), Labcorp
Classification: Pathogenic. Last evaluated: 2025-11-17. Review status: criteria provided, single submitter. Criteria: Invitae Variant Classification Sherloc (09022015). Collection method: clinical testing. Allele origin: germline.
Comment: This sequence change creates a premature translational stop signal (p.Arg173Glyfs*2) in the SLC25A1 gene. It is expected to result in an absent or disrupted protein product. Loss-of-function variants in SLC25A1 are known to be pathogenic (PMID: 23561848). This variant is present in population databases (rs483352911, gnomAD 0.006%). This premature translational stop signal has been observed in individuals with D,L-2-hydroxyglutaric aciduria (PMID: 23561848, 29238895). ClinVar contains an entry for this variant (Variation ID: 42198). Algorithms developed to predict the effect of sequence changes on RNA splicing suggest that this variant may disrupt the consensus splice site. For these reasons, this variant has been classified as Pathogenic.

GeneDx
Classification: Pathogenic. Last evaluated: 2023-06-01. Review status: criteria provided, single submitter. Criteria: GeneDx Variant Classification Process June 2021. Collection method: clinical testing. Allele origin: germline. Affected: yes.
Comment: Frameshift variant predicted to result in protein truncation or nonsense mediated decay in a gene for which loss-of-function is a known mechanism of disease; This variant is associated with the following publications: (PMID: 32340404, 29238895, 23561848)

MGZ Medical Genetics Center
Classification: Pathogenic for D,L-2-hydroxyglutaric aciduria. Last evaluated: 2021-12-15. Review status: criteria provided, single submitter. Criteria: ACMG Guidelines, 2015. Collection method: clinical testing. Allele origin: germline. Affected: yes. Observed: 1 variant allele.
Comment: ACMG criteria applied: PVS1, PM3, PM2_SUP

Institute of Medical Genetics and Applied Genomics, University Hospital Tübingen
Classification: Pathogenic. Last evaluated: 2020-10-23. Review status: criteria provided, single submitter. Criteria: ACMG Guidelines, 2015. Collection method: clinical testing. Allele origin: germline. Inheritance: Autosomal recessive inheritance. Affected: yes.

Centre for Mendelian Genomics, University Medical Centre Ljubljana
Classification: Likely pathogenic for D,L-2-hydroxyglutaric aciduria. Last evaluated: 2019-08-23. Review status: criteria provided, single submitter. Criteria: ACMG Guidelines, 2015. Collection method: clinical testing. Allele origin: unknown. Affected: yes.
Comment: This variant was classified as: Likely pathogenic. The following ACMG criteria were applied in classifying this variant: PVS1,PM2.

Baylor Genetics
Classification: Pathogenic for D,L-2-hydroxyglutaric aciduria. Last evaluated: 2019-04-18. Review status: criteria provided, single submitter. Criteria: ACMG Guidelines, 2015. Collection method: clinical testing. Allele origin: paternal. Affected: yes.
Comment: This variant was determined to be pathogenic according to ACMG Guidelines, 2015 [PMID:25741868]. This variant has been previously reported as disease-causing [PMID 23561848]

CeGaT Center for Human Genetics Tuebingen
Classification: Likely pathogenic. Last evaluated: 2017-02-01. Review status: criteria provided, single submitter. Criteria: CeGaT Center For Human Genetics Tuebingen Variant Classification Criteria Version 2. Collection method: clinical testing. Allele origin: germline. Affected: yes. Observed: 1 variant allele.

OMIM
Classification: Pathogenic for COMBINED D-2- AND L-2 -HYDROXYGLUTARIC ACIDURIA. Last evaluated: 2013-04-04. Review status: no assertion criteria provided. Collection method: literature only. Allele origin: germline. Not counted in ClinVar's aggregate classification.

Literature cited by the submitters: PubMed 23561848 (cited by 3 submitters); PubMed 29238895 (cited by Labcorp Genetics (formerly Invitae), Labcorp).

NM_005984.5(SLC25A1):c.517_526del (p.Arg173fs)

Gene: SLC25A1 (solute carrier family 25 member 1; minus strand). Cytogenetic location: 22q11.21.
Variant type: Deletion.
Coding change: c.517_526del on transcript NM_005984.5 (MANE Select); coding-DNA positions 517 to 526, 10 bases deleted (CGGGAACAAG; older notation c.517_526delCGGGAACAAG).
Protein change: p.Arg173fs; shifts the reading frame from arginine 173.
Molecular consequence: frameshift variant. On other transcripts: non-coding transcript variant (1).
Genome position (GRCh38, 1-based): chr22:19,177,120-19,177,129, CTTGTTCCCG deleted on the plus strand (CGGGAACAAG on the coding strand, the reverse complement: SLC25A1 is on the minus strand); deleting any 10 consecutive bases within chr22:19,177,120-19,177,130 gives the same sequence; the c. name uses the placement nearest the transcript's 3' end. VCF-style (leftmost placement, unchanged base first): chr22-19177119-CCTTGTTCCCG-C. GRCh37 (hg19) VCF-style: chr22-19164632-CCTTGTTCCCG-C.
Other names: c.538_547del, p.Arg180fs (NM_001256534.2); c.208_217del, p.Arg70fs (NM_001287387.2); short protein forms R180fs, R70fs, R173fs.
Identifiers: ClinVar variation 42198 (VCV000042198.61), dbSNP rs483352911, ClinGen allele CA130986.
Genomic context (GRCh38, chr22:19,177,119, plus strand): 5'-GCAGGCCCTTCCCACCCTGGCCCAGGTCCCTGAGCCCTATCAGGAAGGTCGAGTGGCTCA[CCTTGTTCCCG>C]CACAATCTCCCTAACCCCGTGGAAGAATCCTCTGTACTTGGGGTTTGGGGAGGTCTGGTC-3'